The following is an entry in ClinVar:

ClinVar aggregate classification (germline): Uncertain significance. Review status: criteria provided, multiple submitters, no conflicts (2 of 4 stars). 2 submissions from 2 submitters: Uncertain significance (2). Last evaluated 2024-05-14.

gnomAD v4.1: 3 of 1,612,576 alleles (0.00019%); highest among the groups gnomAD compares: African/African-American, 0.004%; no homozygotes.

Submissions (2):

GeneDx
Classification: Uncertain significance. Last evaluated: 2024-05-14. Review status: criteria provided, single submitter. Criteria: GeneDx Variant Classification Process June 2021. Collection method: clinical testing. Allele origin: germline. Affected: yes.
Comment: In silico analysis supports that this missense variant has a deleterious effect on protein structure/function; Has not been previously published as pathogenic or benign to our knowledge

Labcorp Genetics (formerly Invitae), Labcorp
Classification: Uncertain significance. Last evaluated: 2024-02-22. Review status: criteria provided, single submitter. Criteria: Invitae Variant Classification Sherloc (09022015). Collection method: clinical testing. Allele origin: germline.
Comment: This sequence change replaces tryptophan, which is neutral and slightly polar, with arginine, which is basic and polar, at codon 168 of the GHSR protein (p.Trp168Arg). This variant is present in population databases (no rsID available, gnomAD 0.01%). This variant has not been reported in the literature in individuals affected with GHSR-related conditions. Advanced modeling of protein sequence and biophysical properties (such as structural, functional, and spatial information, amino acid conservation, physicochemical variation, residue mobility, and thermodynamic stability) performed at Invitae indicates that this missense variant is expected to disrupt GHSR protein function with a positive predictive value of 80%. In summary, the available evidence is currently insufficient to determine the role of this variant in disease. Therefore, it has been classified as a Variant of Uncertain Significance.

NM_198407.2(GHSR):c.502T>C (p.Trp168Arg)

Gene: GHSR (growth hormone secretagogue receptor; minus strand). Cytogenetic location: 3q26.31.
Variant type: single nucleotide variant.
Coding change: c.502T>C on transcript NM_198407.2 (MANE Select); coding-DNA position 502, T replaced by C.
Protein change: p.Trp168Arg; replaces tryptophan 168 with arginine.
Molecular consequence: missense variant.
Genome position (GRCh38, 1-based): chr3:172,447,912, A>G on the plus strand (T>C on the coding strand, the complement: GHSR is on the minus strand). VCF-style: chr3-172447912-A-G. GRCh37 (hg19) VCF-style: chr3-172165702-A-G.
Other names: c.502T>C, p.Trp168Arg (NM_004122.2); short protein forms W168R.
Identifiers: ClinVar variation 3378383 (VCV003378383.3).